The following is an entry in ClinVar:

ClinVar aggregate classification (germline): Uncertain significance. Review status: criteria provided, multiple submitters, no conflicts (2 of 4 stars). 2 submissions from 2 submitters: Uncertain significance (2). Last evaluated 2025-01-14.

Conditions:
Inborn genetic diseases. Identifiers: MedGen C0950123, MeSH D030342.

Allele frequency attached by ClinVar (database versions not stated): ExAC 0.00001.

Submissions (2):

Labcorp Genetics (formerly Invitae), Labcorp
Classification: Uncertain significance. Last evaluated: 2025-01-14. Review status: criteria provided, single submitter. Criteria: Invitae Variant Classification Sherloc (09022015). Collection method: clinical testing. Allele origin: germline.
Comment: This sequence change replaces histidine, which is basic and polar, with glutamine, which is neutral and polar, at codon 1440 of the ATR protein (p.His1440Gln). This variant is present in population databases (rs774516133, gnomAD 0.0009%). This variant has not been reported in the literature in individuals affected with ATR-related conditions. ClinVar contains an entry for this variant (Variation ID: 1739698). An algorithm developed to predict the effect of missense changes on protein structure and function (PolyPhen-2) suggests that this variant is likely to be tolerated. In summary, the available evidence is currently insufficient to determine the role of this variant in disease. Therefore, it has been classified as a Variant of Uncertain Significance.

Ambry Genetics
Classification: Uncertain significance for Inborn genetic diseases. Last evaluated: 2022-05-30. Review status: criteria provided, single submitter. Criteria: Ambry Variant Classification Scheme 2023. Collection method: clinical testing. Allele origin: germline.
Comment: The p.H1440Q variant (also known as c.4320C>G), located in coding exon 24 of the ATR gene, results from a C to G substitution at nucleotide position 4320. The histidine at codon 1440 is replaced by glutamine, an amino acid with highly similar properties. This amino acid position is conserved. In addition, this alteration is predicted to be tolerated by in silico analysis. Since supporting evidence is limited at this time, the clinical significance of this alteration remains unclear.

NM_001184.4(ATR):c.4320C>G (p.His1440Gln)

Gene: ATR (ATR checkpoint kinase; minus strand). Cytogenetic location: 3q23.
Variant type: single nucleotide variant.
Coding change: c.4320C>G on transcript NM_001184.4 (MANE Select); coding-DNA position 4320, C replaced by G.
Protein change: p.His1440Gln; replaces histidine 1440 with glutamine.
Molecular consequence: missense variant.
Genome position (GRCh38, 1-based): chr3:142,519,731, G>C on the plus strand (C>G on the coding strand, the complement: ATR is on the minus strand). VCF-style: chr3-142519731-G-C. GRCh37 (hg19) VCF-style: chr3-142238573-G-C.
Other names: c.4128C>G, p.His1376Gln (NM_001354579.2); short protein forms H1376Q, H1440Q.
Identifiers: ClinVar variation 1739698 (VCV001739698.4), dbSNP rs774516133, ClinGen allele CA2649879.